The following is an entry in ClinVar:

ClinVar aggregate classification (germline): Pathogenic/Likely pathogenic. Review status: criteria provided, multiple submitters, no conflicts (2 of 4 stars). 5 submissions from 5 submitters: Pathogenic (1); Likely pathogenic (3). 1 of the submissions does not count toward it. Last evaluated 2024-04-28.

Conditions:
Autosomal recessive Alport syndrome (ATS2). Also called: Alport syndrome type 2; COL4A3-Related Nephropathy; COL4A4 Alport Syndrome and Thin Basement Membrane Nephropathy; ALPORT SYNDROME 2, AUTOSOMAL RECESSIVE. Identifiers: Orphanet 63, Orphanet 88919, MedGen C4746745, MONDO:0008762, OMIM 203780.
Hematuria, benign familial, 1 (BFH1). Also called: THIN MEMBRANE NEPHROPATHY. Identifiers: MedGen CN376803, MONDO:0007709, OMIM 141200.
Alport syndrome. Also called: Hemorrhagic familial nephritis; Hemorrhagic hereditary nephritis; Congenital hereditary hematuria. Identifiers: Orphanet 63, MedGen C1567741, MONDO:0018965.

Submissions (5):

Natera, Inc.
Classification: Likely pathogenic for Alport syndrome. Last evaluated: 2024-04-28. Review status: criteria provided, single submitter. Criteria: Natera Variant Classification Schema (03/2026). Collection method: clinical testing. Allele origin: germline.
Comment: The c.3861delGinsCTC variant in COL4A4 is a frameshift variant predicted to shift the reading frame beginning at codon 1288 and leads to a stop codon 101 codons downstream. This variant is expected to result in nonsense mediated decay, truncation, or a dysfunctional protein product. This variant is rare in the general population with a frequency below the threshold expected for the associated phenotype(s). Given the available evidence, this variant is classified as Likely Pathogenic.

Fulgent Genetics
Classification: Likely pathogenic for Hematuria, benign familial, 1; Autosomal recessive Alport syndrome. Last evaluated: 2024-03-20. Review status: criteria provided, single submitter. Criteria: ACMG Guidelines, 2015. Collection method: clinical testing. Allele origin: germline.

Athena Diagnostics
Classification: Likely pathogenic. Last evaluated: 2018-09-25. Review status: criteria provided, single submitter. Criteria: Athena Diagnostics Criteria. Collection method: clinical testing. Allele origin: germline.
Comment: The variant results in a shift of the reading frame, and is therefore predicted to significantly disrupt the protein structure. Not found in the total gnomAD dataset, and the data is high quality (0/276122 chr).

Labcorp Genetics (formerly Invitae), Labcorp
Classification: Pathogenic. Last evaluated: 2018-08-02. Review status: criteria provided, single submitter. Criteria: Invitae Variant Classification Sherloc (09022015). Collection method: clinical testing. Allele origin: germline.
Comment: For these reasons, this variant has been classified as Pathogenic. Loss-of-function variants in COL4A4 are known to be pathogenic (PMID: 11961012, 14582039, 19129241, 21196518, 24052634, 24522496, 24854265, 25307543, 26809805, 27281700). This variant has not been reported in the literature in individuals with COL4A4-related disease. This variant is not present in population databases (ExAC no frequency). This sequence change creates a premature translational stop signal (p.Arg1288Serfs*101) in the COL4A4 gene. It is expected to result in an absent or disrupted protein product.

Division of Nephrology, Beth Israel Deaconess Medical Center
Classification: Likely pathogenic for Autosomal recessive Alport syndrome. Review status: no assertion criteria provided. Collection method: provider interpretation. Allele origin: unknown. Affected: yes. Observed: 1 compound heterozygote. Not counted in ClinVar's aggregate classification.
Comment: This case manuscript is under revision for publication.

Literature cited by the submitters: PubMed 11961012 (cited by Labcorp Genetics (formerly Invitae), Labcorp); PubMed 14582039 (cited by Labcorp Genetics (formerly Invitae), Labcorp); PubMed 19129241 (cited by Labcorp Genetics (formerly Invitae), Labcorp); PubMed 21196518 (cited by Labcorp Genetics (formerly Invitae), Labcorp); PubMed 24052634 (cited by Labcorp Genetics (formerly Invitae), Labcorp); PubMed 24522496 (cited by Labcorp Genetics (formerly Invitae), Labcorp); PubMed 24854265 (cited by Labcorp Genetics (formerly Invitae), Labcorp); PubMed 25307543 (cited by Labcorp Genetics (formerly Invitae), Labcorp); PubMed 26809805 (cited by Labcorp Genetics (formerly Invitae), Labcorp); PubMed 27281700 (cited by Labcorp Genetics (formerly Invitae), Labcorp).

NM_000092.5(COL4A4):c.3861delinsCTC

Gene: COL4A4 (collagen type IV alpha 4 chain; minus strand). Cytogenetic location: 2q36.3.
Variant type: Indel.
Coding change: c.3861delinsCTC on transcript NM_000092.5 (MANE Select); coding-DNA position 3861, G replaced by CTC.
Genome position (GRCh38, 1-based): chr2:227,030,555, C replaced by GAG on the plus strand (G replaced by CTC on the coding strand, the reverse complement: COL4A4 is on the minus strand). VCF-style: chr2-227030555-C-GAG. GRCh37 (hg19) VCF-style: chr2-227895271-C-GAG.
Other names: c.3861delinsCTC, p.Arg1288fs (LRG_231t1); c.3861delGinsCTC (NM_000092.4).
Identifiers: ClinVar variation 634651 (VCV000634651.11), dbSNP rs1575895541, ClinGen allele CA915941769.